The following is an entry in ClinVar:

NM_198506.5(LRIT3):c.221C>T (p.Ala74Val)

Gene: LRIT3 (leucine rich repeat, Ig-like and transmembrane domains 3; plus strand). Cytogenetic location: 4q25.
Variant type: single nucleotide variant.
Coding change: c.221C>T on transcript NM_198506.5 (MANE Select); coding-DNA position 221, C replaced by T.
Protein change: p.Ala74Val; replaces alanine 74 with valine.
Molecular consequence: missense variant.
Genome position (GRCh38, 1-based): chr4:109,851,608, C>T. VCF-style: chr4-109851608-C-T. GRCh37 (hg19) VCF-style: chr4-110772764-C-T.
Other names: short protein forms A74V.
Identifiers: ClinVar variation 1034955 (VCV001034955.3), dbSNP rs867290222, ClinGen allele CA103731849.

ClinVar aggregate classification (germline): Uncertain significance. Review status: criteria provided, multiple submitters, no conflicts (2 of 4 stars). 2 submissions from 2 submitters: Uncertain significance (2). Last evaluated 2022-08-12.

Allele frequency attached by ClinVar (database versions not stated): gnomAD exomes 0.00003; TOPMed 0.00008.
gnomAD v4.1: 41 of 1,551,618 alleles (0.0026%); highest among the groups gnomAD compares: African/African-American, 0.031%; no homozygotes.

Submissions (2):

Labcorp Genetics (formerly Invitae), Labcorp
Classification: Uncertain significance. Last evaluated: 2022-08-12. Review status: criteria provided, single submitter. Criteria: Invitae Variant Classification Sherloc (09022015). Collection method: clinical testing. Allele origin: germline.
Comment: This sequence change replaces alanine, which is neutral and non-polar, with valine, which is neutral and non-polar, at codon 74 of the LRIT3 protein (p.Ala74Val). This variant is present in population databases (no rsID available, gnomAD 0.02%). This variant has not been reported in the literature in individuals affected with LRIT3-related conditions. ClinVar contains an entry for this variant (Variation ID: 1034955). Algorithms developed to predict the effect of missense changes on protein structure and function are either unavailable or do not agree on the potential impact of this missense change (SIFT: "Tolerated"; PolyPhen-2: "Possibly Damaging"; Align-GVGD: "Class C0"). In summary, the available evidence is currently insufficient to determine the role of this variant in disease. Therefore, it has been classified as a Variant of Uncertain Significance.

Blueprint Genetics
Classification: Uncertain significance. Last evaluated: 2022-07-04. Review status: criteria provided, single submitter. Criteria: ACMG Guidelines, 2015. Collection method: clinical testing. Allele origin: germline.